The following is an entry in ClinVar:

ClinVar aggregate classification (germline): Uncertain significance (1 of 4 stars; one submission).

Conditions:
Hereditary cancer-predisposing syndrome. Also called: Hereditary Cancer Syndrome; Tumor predisposition; Hereditary neoplastic syndrome; Neoplastic Syndromes, Hereditary. Identifiers: Orphanet 140162, MedGen C0027672, MeSH D009386, MONDO:0015356.

Submission:

Ambry Genetics
Classification: Uncertain significance for Hereditary cancer-predisposing syndrome. Last evaluated: 2024-08-19. Review status: criteria provided, single submitter. Criteria: Ambry Variant Classification Scheme 2023. Collection method: clinical testing. Allele origin: germline.
Comment: The p.R855G variant (also known as c.2563A>G), located in coding exon 19 of the MSH3 gene, results from an A to G substitution at nucleotide position 2563. The arginine at codon 855 is replaced by glycine, an amino acid with dissimilar properties. This amino acid position is conserved. In addition, this alteration is predicted to be tolerated by in silico analysis. Based on the available evidence, the clinical significance of this variant remains unclear.

NM_002439.5(MSH3):c.2563A>G (p.Arg855Gly)

Gene: MSH3 (mutS homolog 3; plus strand). Cytogenetic location: 5q14.1.
Variant type: single nucleotide variant.
Coding change: c.2563A>G on transcript NM_002439.5 (MANE Select); coding-DNA position 2563, A replaced by G.
Protein change: p.Arg855Gly; replaces arginine 855 with glycine.
Molecular consequence: missense variant.
Genome position (GRCh38, 1-based): chr5:80,792,752, A>G. VCF-style: chr5-80792752-A-G. GRCh37 (hg19) VCF-style: chr5-80088571-A-G.
Other names: short protein forms R855G.
Identifiers: ClinVar variation 3398714 (VCV003398714.1).
Genomic context (GRCh38, chr5:80,792,752, plus strand): 5'-TTTCCATGCCTAGTAAATTGAAACATATTTCTTTTTTGCAGACCAACTGTACAAGAAGAA[A>G]GAAAAATTGTAATAAAAAATGGAAGGCACCCTGTGATTGATGTGTTGCTGGGAGAACAGG-3'
Protein context (NP_002430.3, residues 845-865): DYCRPTVQEE[Arg855Gly]KIVIKNGRHP